The following is an entry in ClinVar:

NM_139318.5(KCNH5):c.2302G>C (p.Val768Leu)

Gene: KCNH5 (potassium voltage-gated channel subfamily H member 5; minus strand). Cytogenetic location: 14q23.2.
Variant type: single nucleotide variant.
Coding change: c.2302G>C on transcript NM_139318.5 (MANE Select); coding-DNA position 2302, G replaced by C.
Protein change: p.Val768Leu; replaces valine 768 with leucine.
Molecular consequence: missense variant. On other transcripts: 3 prime UTR variant (1).
Genome position (GRCh38, 1-based): chr14:62,708,173, C>G on the plus strand (G>C on the coding strand, the complement: KCNH5 is on the minus strand). VCF-style: chr14-62708173-C-G. GRCh37 (hg19) VCF-style: chr14-63174891-C-G.
Other names: c.*269G>C (NM_172375.3); short protein forms V768L.
Identifiers: ClinVar variation 4798574 (VCV004798574.1).

ClinVar aggregate classification (germline): Uncertain significance (1 of 4 stars; one submission).

Conditions:
Early-infantile DEE. Also called: Ohtahara syndrome; Early infantile epileptic encephalopathy; Early infantile epileptic encephalopathy with suppression bursts. Identifiers: Orphanet 1934, MedGen C0393706, MONDO:0800491.

gnomAD v4.1: 5 of 1,614,116 alleles (0.00031%); highest among the groups gnomAD compares: East Asian, 0.011%; no homozygotes.

Submission:

Labcorp Genetics (formerly Invitae), Labcorp
Classification: Uncertain significance for Early-infantile DEE. Last evaluated: 2025-07-14. Review status: criteria provided, single submitter. Criteria: Invitae Variant Classification Sherloc (09022015). Collection method: clinical testing. Allele origin: germline.
Comment: This sequence change replaces valine, which is neutral and non-polar, with leucine, which is neutral and non-polar, at codon 768 of the KCNH5 protein (p.Val768Leu). This variant is present in population databases (no rsID available, gnomAD 0.03%). This variant has not been reported in the literature in individuals affected with KCNH5-related conditions. Invitae Evidence Modeling of protein sequence and biophysical properties (such as structural, functional, and spatial information, amino acid conservation, physicochemical variation, residue mobility, and thermodynamic stability) indicates that this missense variant is not expected to disrupt KCNH5 protein function with a negative predictive value of 95%. In summary, the available evidence is currently insufficient to determine the role of this variant in disease. Therefore, it has been classified as a Variant of Uncertain Significance.